The following is an entry in ClinVar:

ClinVar aggregate classification (germline): Uncertain significance. Review status: criteria provided, single submitter (1 of 4 stars). 2 submissions from 2 submitters: Uncertain significance (1). 1 of the submissions does not count toward it. Last evaluated 2021-09-02.

Conditions:
Primary ciliary dyskinesia. Also called: Ciliary dyskinesia. Identifiers: Orphanet 244, MedGen C0008780, MONDO:0016575, HP:0012265.

Allele frequency attached by ClinVar (database versions not stated): 1000 Genomes Project below 0.00001; ExAC 0.00002; gnomAD exomes 0.00003 and 0.00005; gnomAD 0.00004 and 0.00005; TOPMed 0.00004; ESP Exome Variant Server 0.00008.
gnomAD v4.1: 74 of 1,614,032 alleles (0.0046%); highest among the groups gnomAD compares: Non-Finnish European, 0.0054%; no homozygotes.

Submissions (2):

Labcorp Genetics (formerly Invitae), Labcorp
Classification: Uncertain significance for Primary ciliary dyskinesia. Last evaluated: 2021-09-02. Review status: criteria provided, single submitter. Criteria: Invitae Variant Classification Sherloc (09022015). Collection method: clinical testing. Allele origin: germline.
Comment: This sequence change replaces serine with leucine at codon 1733 of the DNAH5 protein (p.Ser1733Leu). The serine residue is highly conserved and there is a large physicochemical difference between serine and leucine. This variant is present in population databases (rs146087064, ExAC 0.004%). This variant has not been reported in the literature in individuals affected with DNAH5-related conditions. Algorithms developed to predict the effect of missense changes on protein structure and function are either unavailable or do not agree on the potential impact of this missense change (SIFT: "Deleterious"; PolyPhen-2: "Possibly Damaging"; Align-GVGD: "Class C0"). In summary, the available evidence is currently insufficient to determine the role of this variant in disease. Therefore, it has been classified as a Variant of Uncertain Significance.

Natera, Inc.
Classification: Uncertain significance for Primary ciliary dyskinesia. Last evaluated: 2020-01-24. Review status: no assertion criteria provided. Collection method: clinical testing. Allele origin: germline. Not counted in ClinVar's aggregate classification.

NM_001369.3(DNAH5):c.5198C>T (p.Ser1733Leu)

Gene: DNAH5 (dynein axonemal heavy chain 5; minus strand). Cytogenetic location: 5p15.2.
Variant type: single nucleotide variant.
Coding change: c.5198C>T on transcript NM_001369.3 (MANE Select); coding-DNA position 5198, C replaced by T.
Protein change: p.Ser1733Leu; replaces serine 1733 with leucine.
Molecular consequence: missense variant.
Genome position (GRCh38, 1-based): chr5:13,844,910, G>A on the plus strand (C>T on the coding strand, the complement: DNAH5 is on the minus strand). VCF-style: chr5-13844910-G-A. GRCh37 (hg19) VCF-style: chr5-13845019-G-A.
Other names: short protein forms S1733L.
Identifiers: ClinVar variation 659366 (VCV000659366.5), dbSNP rs146087064, ClinGen allele CA3203763.